The following is an entry in ClinVar:

NM_015057.5(MYCBP2):c.11308G>A (p.Glu3770Lys)

Genes: MYCBP2 (MYC binding protein 2; minus strand), MYCBP2-AS1 (MYCBP2 antisense RNA 1; plus strand). Cytogenetic location: 13q22.3.
Variant type: single nucleotide variant.
Coding change: c.11308G>A on transcript NM_015057.5 (MANE Select); coding-DNA position 11308, G replaced by A.
Protein change: p.Glu3770Lys; replaces glutamic acid 3770 with lysine.
Molecular consequence: missense variant.
Genome position (GRCh38, 1-based): chr13:77,081,537, C>T on the plus strand (G>A on the coding strand, the complement: MYCBP2 is on the minus strand). VCF-style: chr13-77081537-C-T. GRCh37 (hg19) VCF-style: chr13-77655672-C-T.
Other names: short protein forms E3770K.
Identifiers: ClinVar variation 3769964 (VCV003769964.1).
Genomic context (GRCh38, chr13:77,081,537, plus strand): 5'-TTCCTTTTACACAGTTGATGGTGATGTTCTTAGTTTTGTTTTTATCTTCATCTCCTGATT[C>T]CCAAAAGGTTTCTGTGGAGCCGTCTGTCAAACTGCCAATCATGGCAGGTCGGCTTGAAGT-3'
Protein context (NP_055872.4, residues 3760-3780): LTDGSTETFW[Glu3770Lys]SGDEDKNKTK

ClinVar aggregate classification (germline): Uncertain significance (1 of 4 stars; one submission).

Submission:

GeneDx
Classification: Uncertain significance. Last evaluated: 2024-09-11. Review status: criteria provided, single submitter. Criteria: GeneDx Variant Classification Process June 2021. Collection method: clinical testing. Allele origin: germline. Affected: yes.
Comment: Not observed at significant frequency in large population cohorts (gnomAD); In silico analysis supports that this missense variant has a deleterious effect on protein structure/function; Has not been previously published as pathogenic or benign to our knowledge